The following is an entry in ClinVar:

NM_001323289.2(CDKL5):c.826-1G>C

Gene: CDKL5 (cyclin dependent kinase like 5; plus strand). Cytogenetic location: Xp22.13.
Variant type: single nucleotide variant.
Coding change: c.826-1G>C on transcript NM_001323289.2 (MANE Select); the canonical splice acceptor site of the intron before coding-DNA position 826, G replaced by C.
Molecular consequence: splice acceptor variant.
Genome position (GRCh38, 1-based): chrX:18,598,461, G>C. VCF-style: chrX-18598461-G-C. GRCh37 (hg19) VCF-style: chrX-18616581-G-C.
Other names: c.826-1G>C (NM_003159.3, NM_001037343.2).
Identifiers: ClinVar variation 156680 (VCV000156680.2), dbSNP rs587783149, ClinGen allele CA294746.

ClinVar aggregate classification (germline): Pathogenic (1 of 4 stars; one submission).

Submission:

GeneDx
Classification: Pathogenic. Last evaluated: 2012-11-09. Review status: criteria provided, single submitter. Criteria: GeneDx Variant Classification (06012015). Collection method: clinical testing. Allele origin: germline. Affected: yes.
Comment: The c.826-1 G>C splice site mutation in the CDKL5 gene destroys the canonical splice acceptor site in intron 10. It is predicted to cause abnormal gene splicing, either leading to an abnormal message that is subject to nonsense-mediated mRNA decay, or to an abnormal protein product if the message is used for protein translation. Although this mutation has not been previously reported to our knowledge, other splice site mutations have been reported in the CDKL5 gene. The variant is found in EPILEPSY panel(s).